The following is an entry in ClinVar:

NM_001377229.1(DISP1):c.1123G>A (p.Val375Ile)

Gene: DISP1 (dispatched RND transporter family member 1; plus strand). Cytogenetic location: 1q41.
Variant type: single nucleotide variant.
Coding change: c.1123G>A on transcript NM_001377229.1 (MANE Select); coding-DNA position 1123, G replaced by A.
Protein change: p.Val375Ile; replaces valine 375 with isoleucine.
Molecular consequence: missense variant.
Genome position (GRCh38, 1-based): chr1:223,002,520, G>A. VCF-style: chr1-223002520-G-A. GRCh37 (hg19) VCF-style: chr1-223175862-G-A.
Other names: c.394G>A, p.Val132Ile (NM_001350630.2); c.1123G>A, p.Val375Ile (NM_001369594.1, NM_001377228.1, NM_032890.5); short protein forms V132I, V375I.
Identifiers: ClinVar variation 2636052 (VCV002636052.1), dbSNP rs755916120, ClinGen allele CA1409020.
Genomic context (GRCh38, chr1:223,002,520, plus strand): 5'-GGAAACTACATCGCCATTCTGAACAATAGATCGTCCTGTCAGAAAATAGTTGAGCGAGAC[G>A]TTTCTCATACCTTGAAGCTGCTTCGGACTTGTGCCAAACACTACCAAAATGGCACTCTGG-3'
Protein context (NP_001364158.1, residues 365-385): SSCQKIVERD[Val375Ile]SHTLKLLRTC

ClinVar aggregate classification (germline): Uncertain significance (1 of 4 stars; one submission).

Conditions:
DISP1-related disorder. Also called: DISP1-related condition.

Allele frequency attached by ClinVar (database versions not stated): gnomAD exomes below 0.00001; ExAC 0.00001; gnomAD 0.00001.
gnomAD v4.1: 6 of 1,614,020 alleles (0.00037%); highest among the groups gnomAD compares: South Asian, 0.0022%; no homozygotes.

Submission:

PreventionGenetics, part of Exact Sciences
Classification: Uncertain significance for DISP1-related condition. Last evaluated: 2023-01-12. Review status: criteria provided, single submitter. Criteria: ACMG Guidelines, 2015. Collection method: clinical testing. Allele origin: germline.
Comment: The DISP1 c.1123G>A variant is predicted to result in the amino acid substitution p.Val375Ile. To our knowledge, this variant has not been reported in the literature. This variant is reported in 0.0062% of alleles in individuals of African descent in gnomAD. At this time, the clinical significance of this variant is uncertain due to the absence of conclusive functional and genetic evidence.